The following is an entry in ClinVar:

NM_001386140.1(MTTP):c.1868-3C>T

Gene: MTTP (microsomal triglyceride transfer protein; plus strand). Cytogenetic location: 4q23.
Variant type: single nucleotide variant.
Coding change: c.1868-3C>T on transcript NM_001386140.1 (MANE Select); 3 bases into the intron before coding-DNA position 1868, C replaced by T.
Molecular consequence: intron variant.
Genome position (GRCh38, 1-based): chr4:99,611,329, C>T. VCF-style: chr4-99611329-C-T. GRCh37 (hg19) VCF-style: chr4-100532486-C-T.
Other names: c.1868-3C>T (NM_000253.4); c.1619-3C>T (NM_001300785.2).
Identifiers: ClinVar variation 1422034 (VCV001422034.3), dbSNP rs374357396, ClinGen allele CA3022230.
Genomic context (GRCh38, chr4:99,611,329, plus strand): 5'-CCATACCCCACAACTTAGCATTGCTGGAACTGCTATTAAATTACAGTTATTGTGTGTCAT[C>T]AGGTAGTCCCCGTTCGGCATCTACTTACAGCCTAGACATTCTCTACTCGGGTTCTGGCAT-3'

ClinVar aggregate classification (germline): Uncertain significance (1 of 4 stars; one submission).

Allele frequency attached by ClinVar (database versions not stated): gnomAD exomes below 0.00001 and 0.00002; ExAC 0.00001; gnomAD 0.00001; TOPMed 0.00001; ESP Exome Variant Server 0.00008.
gnomAD v4.1: 36 of 1,613,952 alleles (0.0022%); highest among the groups gnomAD compares: Non-Finnish European, 0.003%; no homozygotes.

Submission:

Labcorp Genetics (formerly Invitae), Labcorp
Classification: Uncertain significance. Last evaluated: 2021-08-07. Review status: criteria provided, single submitter. Criteria: Invitae Variant Classification Sherloc (09022015). Collection method: clinical testing. Allele origin: germline.
Comment: This sequence change falls in intron 14 of the MTTP gene. It does not directly change the encoded amino acid sequence of the MTTP protein. It affects a nucleotide within the consensus splice site of the intron. This variant is present in population databases (rs374357396, ExAC 0.001%). This variant has not been reported in the literature in individuals affected with MTTP-related conditions. Nucleotide substitutions within the consensus splice site are a relatively common cause of aberrant splicing (PMID: 17576681, 9536098). Algorithms developed to predict the effect of sequence changes on RNA splicing suggest that this variant is not likely to affect RNA splicing. In summary, the available evidence is currently insufficient to determine the role of this variant in disease. Therefore, it has been classified as a Variant of Uncertain Significance.

Literature cited by the submitters: PubMed 17576681; PubMed 9536098.